The following is an entry in ClinVar:

NM_001040142.2(SCN2A):c.2189A>T (p.Tyr730Phe)

Gene: SCN2A (sodium voltage-gated channel alpha subunit 2; plus strand). Cytogenetic location: 2q24.3.
Variant type: single nucleotide variant.
Coding change: c.2189A>T on transcript NM_001040142.2 (MANE Select); coding-DNA position 2189, A replaced by T.
Protein change: p.Tyr730Phe; replaces tyrosine 730 with phenylalanine.
Molecular consequence: missense variant.
Genome position (GRCh38, 1-based): chr2:165,331,369, A>T. VCF-style: chr2-165331369-A-T. GRCh37 (hg19) VCF-style: chr2-166187879-A-T.
Other names: c.2189A>T, p.Tyr730Phe (NM_001040143.2, NM_001371246.1, NM_001371247.1 and 1 more transcripts); short protein forms Y730F.
Identifiers: ClinVar variation 1805619 (VCV001805619.2), dbSNP rs2467961623, ClinGen allele CA349030633.

ClinVar aggregate classification (germline): Uncertain significance. Review status: criteria provided, multiple submitters, no conflicts (2 of 4 stars). 2 submissions from 2 submitters: Uncertain significance (2). Last evaluated 2023-07-22.

Conditions:
Developmental and epileptic encephalopathy, 11 (DEE11). Also called: Early infantile epileptic encephalopathy 11. Identifiers: Orphanet 1934, MedGen C3150987, MONDO:0013388, OMIM 613721.

gnomAD v4.1: 5 of 1,613,806 alleles (0.00031%); highest among the groups gnomAD compares: Non-Finnish European, 0.00042%; no homozygotes.

Submissions (2):

Neuberg Centre For Genomic Medicine, NCGM
Classification: Uncertain significance for Developmental and epileptic encephalopathy, 11. Last evaluated: 2023-07-22. Review status: criteria provided, single submitter. Criteria: ACMG Guidelines, 2015. Collection method: clinical testing. Allele origin: germline. Inheritance: Autosomal dominant inheritance. Affected: yes.
Comment: The observed missense variant c.2189A>Tp.Tyr730Phe in SCN2A gene has not been reported previously as a pathogenic variant nor as a benign variant, to our knowledge. The p.Tyr730Phe variant is absent in gnomAD Exomes. It has been submitted to ClinVar as Uncertain Significance. The amino acid Tyr at position 730 is changed to a Phe changing protein sequence and it might alter its composition and physico-chemical properties. Computational evidence Polyphen-Benign, SIFT-Tolerated and Mutation Taster-Disease causing predicts conflicting evidence on protein structure and function for this variant. The reference amino acid p.Tyr730Phe in SCN2A is predicted as conserved by GERP++ and PhyloP across 100 vertebrates. For these reasons, this variant has been classified as Uncertain Significance.

Victorian Clinical Genetics Services, Murdoch Childrens Research Institute
Classification: Uncertain significance for Developmental and epileptic encephalopathy, 11. Last evaluated: 2019-08-28. Review status: criteria provided, single submitter. Criteria: ACMG Guidelines, 2015. Collection method: clinical testing. Allele origin: germline. Inheritance: Autosomal dominant inheritance. Affected: yes.
Comment: A heterozygous missense variant, NM_021007.2(SCN2A):c.2189A>T, has been identified in exon 14 of 27 of the SCN2A gene. The variant is predicted to result in a minor amino acid change from tyrosine to phenylalanine at position 730 of the protein (NP_066287.2(SCN2A):p.(Tyr730Phe)). The tyrosine at this position has very high conservation (100 vertebrates, UCSC), but is not located within a well established functional domain. In silico predictions of pathogenicity for this variant are conflicting (Polyphen, SIFT, CADD, Mutation Taster). The variant is absent in population databases (gnomAD, dbSNP, 1000G). The variant has been previously described as VUS in a patient with a syndromic condition, but without seizures (Decipher). Based on the information available at the time of curation, this variant has been classified as VARIANT of UNCERTAIN SIGNIFICANCE (VUS) with LOW CLINICAL RELEVANCE.